The following is an entry in ClinVar:

ClinVar aggregate classification (germline): Likely benign. Review status: criteria provided, multiple submitters, no conflicts (2 of 4 stars). 3 submissions from 3 submitters: Likely benign (3). Last evaluated 2024-09-13.

Allele frequency attached by ClinVar (database versions not stated): gnomAD exomes below 0.00001; TOPMed 0.00005.
gnomAD v4.1: 6 of 1,569,366 alleles (0.00038%); highest among the groups gnomAD compares: Non-Finnish European, 0.00026%; no homozygotes.

Submissions (3):

Blueprint Genetics
Classification: Likely benign. Last evaluated: 2024-09-13. Review status: criteria provided, single submitter. Criteria: ACMG Guidelines, 2015. Collection method: clinical testing. Allele origin: germline.

Labcorp Genetics (formerly Invitae), Labcorp
Classification: Likely benign. Last evaluated: 2022-10-19. Review status: criteria provided, single submitter. Criteria: Invitae Variant Classification Sherloc (09022015). Collection method: clinical testing. Allele origin: germline.

GeneDx
Classification: Likely benign. Last evaluated: 2016-02-23. Review status: criteria provided, single submitter. Criteria: GeneDx Variant Classification (06012015). Collection method: clinical testing. Allele origin: germline. Affected: yes.
Comment: This variant is considered likely benign or benign based on one or more of the following criteria: it is a conservative change, it occurs at a poorly conserved position in the protein, it is predicted to be benign by multiple in silico algorithms, and/or has population frequency not consistent with disease.

NM_001080449.3(DNA2):c.1983+12A>C

Gene: DNA2 (DNA replication helicase/nuclease 2; minus strand). Cytogenetic location: 10q21.3.
Variant type: single nucleotide variant.
Coding change: c.1983+12A>C on transcript NM_001080449.3 (MANE Select); 12 bases into the intron after coding-DNA position 1983, A replaced by C.
Molecular consequence: intron variant.
Genome position (GRCh38, 1-based): chr10:68,431,850, T>G on the plus strand (A>C on the coding strand, the complement: DNA2 is on the minus strand). VCF-style: chr10-68431850-T-G. GRCh37 (hg19) VCF-style: chr10-70191607-T-G.
Identifiers: ClinVar variation 383640 (VCV000383640.9), dbSNP rs1057521699, ClinGen allele CA16605902.
Genomic context (GRCh38, chr10:68,431,850, plus strand): 5'-TATTACATCCTCTGAACTGAGGAGAAGCTGATACAAATATTTTGTCTCTAAGCAGAAGAA[T>G]AATAACCTTACGAGAGTACATATCGTAGTTGTTTTTCCTGTCCCAGGCATACCCACGATG-3'